The following is an entry in ClinVar:

ClinVar aggregate classification (germline): Uncertain significance (1 of 4 stars; one submission).

Conditions:
Brugada syndrome 8 (BRGDA8). Identifiers: Orphanet 130, MedGen C2751083, MONDO:0013148, OMIM 613123.

gnomAD v4.1: 1 of 1,575,020 alleles (0.000063%); no homozygotes.

Submission:

Labcorp Genetics (formerly Invitae), Labcorp
Classification: Uncertain significance for Brugada syndrome 8. Last evaluated: 2025-04-07. Review status: criteria provided, single submitter. Criteria: Invitae Variant Classification Sherloc (09022015). Collection method: clinical testing. Allele origin: germline.
Comment: This sequence change replaces serine, which is neutral and polar, with threonine, which is neutral and polar, at codon 176 of the HCN4 protein (p.Ser176Thr). This variant is not present in population databases (gnomAD no frequency). This variant has not been reported in the literature in individuals affected with HCN4-related conditions. ClinVar contains an entry for this variant (Variation ID: 1011401). Invitae Evidence Modeling of protein sequence and biophysical properties (such as structural, functional, and spatial information, amino acid conservation, physicochemical variation, residue mobility, and thermodynamic stability) indicates that this missense variant is not expected to disrupt HCN4 protein function with a negative predictive value of 95%. In summary, the available evidence is currently insufficient to determine the role of this variant in disease. Therefore, it has been classified as a Variant of Uncertain Significance.

NM_005477.3(HCN4):c.526T>A (p.Ser176Thr)

Gene: HCN4 (hyperpolarization activated cyclic nucleotide gated potassium channel 4; minus strand). Cytogenetic location: 15q24.1.
Variant type: single nucleotide variant.
Coding change: c.526T>A on transcript NM_005477.3 (MANE Select); coding-DNA position 526, T replaced by A.
Protein change: p.Ser176Thr; replaces serine 176 with threonine.
Molecular consequence: missense variant.
Genome position (GRCh38, 1-based): chr15:73,367,745, A>T on the plus strand (T>A on the coding strand, the complement: HCN4 is on the minus strand). VCF-style: chr15-73367745-A-T. GRCh37 (hg19) VCF-style: chr15-73660086-A-T.
Other names: short protein forms S176T.
Identifiers: ClinVar variation 1011401 (VCV001011401.8), dbSNP rs2043135514, ClinGen allele CA393097746.